The following is an entry in ClinVar:

ClinVar aggregate classification (germline): Uncertain significance. Review status: criteria provided, multiple submitters, no conflicts (2 of 4 stars). 5 submissions from 5 submitters: Uncertain significance (5). Last evaluated 2026-08-20.

Conditions:
Alstrom syndrome (ALMS). Identifiers: Orphanet 64, MedGen C0268425, MONDO:0008763, OMIM 203800.
Cardiovascular phenotype. Identifiers: MedGen CN230736.

Allele frequency attached by ClinVar (database versions not stated): ExAC 0.00001; gnomAD exomes 0.00001; TOPMed 0.00006; gnomAD 0.00007 and 0.00009.
gnomAD v4.1: 15 of 1,613,444 alleles (0.00093%); highest among the groups gnomAD compares: African/African-American, 0.02%; no homozygotes.

Submissions (5):

GeneDx
Classification: Uncertain significance. Last evaluated: 2026-08-20. Review status: criteria provided, single submitter. Criteria: GeneDx Variant Classification Process June 2021. Collection method: clinical testing. Allele origin: germline.
Comment: Has not been previously published as pathogenic or benign to our knowledge; In silico analysis suggests that this missense variant does not alter protein structure/function

Labcorp Genetics (formerly Invitae), Labcorp
Classification: Uncertain significance for Alstrom syndrome. Last evaluated: 2026-01-20. Review status: criteria provided, single submitter. Criteria: Invitae Variant Classification Sherloc (09022015). Collection method: clinical testing. Allele origin: germline.
Comment: This sequence change replaces glutamine, which is neutral and polar, with lysine, which is basic and polar, at codon 1299 of the ALMS1 protein (p.Gln1299Lys). This variant is present in population databases (rs770645262, gnomAD 0.03%). This variant has not been reported in the literature in individuals affected with ALMS1-related conditions. ClinVar contains an entry for this variant (Variation ID: 1416384). Experimental studies and prediction algorithms are not available or were not evaluated, and the functional significance of this variant is currently unknown. In summary, the available evidence is currently insufficient to determine the role of this variant in disease. Therefore, it has been classified as a Variant of Uncertain Significance.

Women's Health and Genetics/Laboratory Corporation of America, LabCorp
Classification: Uncertain significance. Last evaluated: 2025-05-18. Review status: criteria provided, single submitter. Criteria: LabCorp Variant Classification Summary - May 2015. Collection method: clinical testing. Allele origin: germline.

Ambry Genetics
Classification: Uncertain significance for Cardiovascular phenotype. Last evaluated: 2024-11-15. Review status: criteria provided, single submitter. Criteria: Ambry Variant Classification Scheme 2023. Collection method: clinical testing. Allele origin: germline.
Comment: The p.Q1299K variant (also known as c.3895C>A), located in coding exon 8 of the ALMS1 gene, results from a C to A substitution at nucleotide position 3895. The glutamine at codon 1299 is replaced by lysine, an amino acid with similar properties. This amino acid position is well conserved in available vertebrate species. In addition, this alteration is predicted to be tolerated by in silico analysis. Based on the available evidence, the clinical significance of this variant remains unclear.

Fulgent Genetics
Classification: Uncertain significance for Alstrom syndrome. Last evaluated: 2021-12-09. Review status: criteria provided, single submitter. Criteria: ACMG Guidelines, 2015. Collection method: clinical testing. Allele origin: unknown.

NM_001378454.1(ALMS1):c.3892C>A (p.Gln1298Lys)

Gene: ALMS1 (ALMS1 centrosome and basal body associated protein; plus strand). Cytogenetic location: 2p13.1.
Variant type: single nucleotide variant.
Coding change: c.3892C>A on transcript NM_001378454.1 (MANE Select); coding-DNA position 3892, C replaced by A.
Protein change: p.Gln1298Lys; replaces glutamine 1298 with lysine.
Molecular consequence: missense variant.
Genome position (GRCh38, 1-based): chr2:73,450,419, C>A. VCF-style: chr2-73450419-C-A. GRCh37 (hg19) VCF-style: chr2-73677546-C-A.
Other names: c.3895C>A, p.Gln1299Lys (NM_015120.4); short protein forms Q1299K, Q1298K.
Identifiers: ClinVar variation 1416384 (VCV001416384.14), dbSNP rs770645262, ClinGen allele CA1713607.
Genomic context (GRCh38, chr2:73,450,419, plus strand): 5'-ACACCAGCTGTAACCTCTACTTCCTACTCACAATATAGAGAGAAGCCCAGCATTTTCTAC[C>A]AACAGTCGTTGCCAAGTAGTCATCTAACTGAAGAGGCTAAGAATGTTTCAGCGGTTCCTG-3'
Protein context (NP_001365383.1, residues 1288-1308): QYREKPSIFY[Gln1298Lys]QSLPSSHLTE